The following is an entry in ClinVar:

ClinVar aggregate classification (germline): Uncertain significance. Review status: criteria provided, multiple submitters, no conflicts (2 of 4 stars). 2 submissions from 2 submitters: Uncertain significance (2). Last evaluated 2025-11-03.

Conditions:
Acromesomelic dysplasia 1, Maroteaux type (AMD1). Also called: ST. HELENA DYSPLASIA; ACROMESOMELIC DYSPLASIA 1. Identifiers: Orphanet 40, MedGen C1864356, MONDO:0011275, OMIM 602875.
Tall stature-scoliosis-macrodactyly of the great toes syndrome. Also called: Epiphyseal chondrodysplasia, miura type. Identifiers: Orphanet 329191, MedGen C4014690, MONDO:0014401, OMIM 615923.
Inborn genetic diseases. Identifiers: MedGen C0950123, MeSH D030342.

Allele frequency attached by ClinVar (database versions not stated): ExAC 0.00002; gnomAD 0.00004; ESP Exome Variant Server 0.00008; TOPMed 0.00009.
gnomAD v4.1: 213 of 1,613,936 alleles (0.013%); highest among the groups gnomAD compares: Non-Finnish European, 0.017%; no homozygotes.

Submissions (2):

Labcorp Genetics (formerly Invitae), Labcorp
Classification: Uncertain significance for Tall stature-scoliosis-macrodactyly of the great toes syndrome; Acromesomelic dysplasia 1, Maroteaux type. Last evaluated: 2025-11-03. Review status: criteria provided, single submitter. Criteria: Invitae Variant Classification Sherloc (09022015). Collection method: clinical testing. Allele origin: germline.
Comment: This sequence change replaces arginine, which is basic and polar, with glutamine, which is neutral and polar, at codon 848 of the NPR2 protein (p.Arg848Gln). This variant is present in population databases (rs368849630, gnomAD 0.008%). This variant has not been reported in the literature in individuals affected with NPR2-related conditions. ClinVar contains an entry for this variant (Variation ID: 2062536). Invitae Evidence Modeling of protein sequence and biophysical properties (such as structural, functional, and spatial information, amino acid conservation, physicochemical variation, residue mobility, and thermodynamic stability) indicates that this missense variant is not expected to disrupt NPR2 protein function with a negative predictive value of 80%. In summary, the available evidence is currently insufficient to determine the role of this variant in disease. Therefore, it has been classified as a Variant of Uncertain Significance.

Ambry Genetics
Classification: Uncertain significance for Inborn genetic diseases. Last evaluated: 2023-12-21. Review status: criteria provided, single submitter. Criteria: Ambry Variant Classification Scheme 2023. Collection method: clinical testing. Allele origin: germline.

NM_003995.4(NPR2):c.2543G>A (p.Arg848Gln)

Gene: NPR2 (natriuretic peptide receptor 2; plus strand). Cytogenetic location: 9p13.3.
Variant type: single nucleotide variant.
Coding change: c.2543G>A on transcript NM_003995.4 (MANE Select); coding-DNA position 2543, G replaced by A.
Protein change: p.Arg848Gln; replaces arginine 848 with glutamine.
Molecular consequence: missense variant.
Genome position (GRCh38, 1-based): chr9:35,807,046, G>A. VCF-style: chr9-35807046-G-A. GRCh37 (hg19) VCF-style: chr9-35807043-G-A.
Other names: c.2552G>A, p.Arg851Gln (NM_001378923.1); c.2543G>A (NM_003995.3); short protein forms R848Q, R851Q.
Identifiers: ClinVar variation 2062536 (VCV002062536.5), dbSNP rs368849630, ClinGen allele CA5052003.